The following is an entry in ClinVar:

ClinVar aggregate classification (germline): Uncertain significance. Review status: criteria provided, multiple submitters, no conflicts (2 of 4 stars). 2 submissions from 2 submitters: Uncertain significance (2). Last evaluated 2024-12-16.

Conditions:
FGFR2-related craniosynostosis. Identifiers: MedGen CN231480.

Allele frequency attached by ClinVar (database versions not stated): gnomAD exomes below 0.00001; ExAC 0.00001; ESP Exome Variant Server 0.00008.
gnomAD v4.1: 2 of 1,613,908 alleles (0.00012%); highest among the groups gnomAD compares: Non-Finnish European, 0.00017%; no homozygotes.

Submissions (2):

Labcorp Genetics (formerly Invitae), Labcorp
Classification: Uncertain significance for FGFR2-related craniosynostosis. Last evaluated: 2024-12-16. Review status: criteria provided, single submitter. Criteria: Invitae Variant Classification Sherloc (09022015). Collection method: clinical testing. Allele origin: germline.
Comment: This sequence change replaces methionine, which is neutral and non-polar, with threonine, which is neutral and polar, at codon 693 of the FGFR2 protein (p.Met693Thr). This variant is present in population databases (rs146571201, gnomAD 0.0009%). This variant has not been reported in the literature in individuals affected with FGFR2-related conditions. ClinVar contains an entry for this variant (Variation ID: 2065795). Invitae Evidence Modeling of protein sequence and biophysical properties (such as structural, functional, and spatial information, amino acid conservation, physicochemical variation, residue mobility, and thermodynamic stability) indicates that this missense variant is not expected to disrupt FGFR2 protein function with a negative predictive value of 80%. In summary, the available evidence is currently insufficient to determine the role of this variant in disease. Therefore, it has been classified as a Variant of Uncertain Significance.

Blueprint Genetics
Classification: Uncertain significance. Last evaluated: 2024-02-20. Review status: criteria provided, single submitter. Criteria: ACMG Guidelines, 2015. Collection method: clinical testing. Allele origin: germline.

NM_000141.5(FGFR2):c.2078T>C (p.Met693Thr)

Gene: FGFR2 (fibroblast growth factor receptor 2; minus strand). Cytogenetic location: 10q26.13.
Variant type: single nucleotide variant.
Coding change: c.2078T>C on transcript NM_000141.5 (MANE Select); coding-DNA position 2078, T replaced by C.
Protein change: p.Met693Thr; replaces methionine 693 with threonine.
Molecular consequence: missense variant. On other transcripts: non-coding transcript variant (1).
Genome position (GRCh38, 1-based): chr10:121,485,512, A>G on the plus strand (T>C on the coding strand, the complement: FGFR2 is on the minus strand). VCF-style: chr10-121485512-A-G. GRCh37 (hg19) VCF-style: chr10-123245026-A-G.
Other names: c.2081T>C, p.Met694Thr (NM_001144913.1, NM_022970.4); c.1742T>C, p.Met581Thr (NM_001144914.1); c.1811T>C, p.Met604Thr (NM_001144915.2, NM_023029.3); c.1733T>C, p.Met578Thr (NM_001144916.2); c.1730T>C, p.Met577Thr (NM_001144917.2); c.1727T>C, p.Met576Thr (NM_001144918.2); c.1814T>C, p.Met605Thr (NM_001144919.2); c.1394T>C, p.Met465Thr (NM_001320654.2); and 1 more; short protein forms M577T, M604T, M694T, M576T, M605T, M578T, M581T, M693T.
Identifiers: ClinVar variation 2065795 (VCV002065795.5), dbSNP rs146571201, ClinGen allele CA5720552.